The following is an entry in ClinVar:

NM_014055.4(IFT81):c.46C>A (p.Pro16Thr)

Gene: IFT81 (intraflagellar transport 81; plus strand). Cytogenetic location: 12q24.11.
Variant type: single nucleotide variant.
Coding change: c.46C>A on transcript NM_014055.4 (MANE Select); coding-DNA position 46, C replaced by A.
Protein change: p.Pro16Thr; replaces proline 16 with threonine.
Molecular consequence: missense variant. On other transcripts: 5 prime UTR variant (2), non-coding transcript variant (4).
Genome position (GRCh38, 1-based): chr12:110,127,426, C>A. VCF-style: chr12-110127426-C-A. GRCh37 (hg19) VCF-style: chr12-110565231-C-A.
Other names: c.46C>A, p.Pro16Thr (NM_001143779.2, NM_001347946.2, NM_031473.4); c.-721C>A (NM_001347947.2, NM_001347948.2); short protein forms P16T.
Identifiers: ClinVar variation 1516757 (VCV001516757.5), dbSNP rs1387434738, ClinGen allele CA386906192.
Genomic context (GRCh38, chr12:110,127,426, plus strand): 5'-TTATAAGACCTAATTATGAGTGATCAAATTAAATTCATTATGGACAGTCTCAATAAGGAG[C>A]CCTTTAGGAAGAACTATAATTTAATCACGTTTGATTCCTTGGAGCCAATGCAACTATTAC-3'
Protein context (NP_054774.2, residues 6-26): KFIMDSLNKE[Pro16Thr]FRKNYNLITF

ClinVar aggregate classification (germline): Uncertain significance (1 of 4 stars; one submission).

Allele frequency attached by ClinVar (database versions not stated): TOPMed 0.00001.

Submission:

Labcorp Genetics (formerly Invitae), Labcorp
Classification: Uncertain significance. Last evaluated: 2021-08-14. Review status: criteria provided, single submitter. Criteria: Invitae Variant Classification Sherloc (09022015). Collection method: clinical testing. Allele origin: germline.
Comment: This sequence change replaces proline with threonine at codon 16 of the IFT81 protein (p.Pro16Thr). The proline residue is highly conserved and there is a small physicochemical difference between proline and threonine. This variant is not present in population databases (ExAC no frequency). This variant has not been reported in the literature in individuals affected with IFT81-related conditions. Algorithms developed to predict the effect of missense changes on protein structure and function (SIFT, PolyPhen-2, Align-GVGD) all suggest that this variant is likely to be disruptive. In summary, the available evidence is currently insufficient to determine the role of this variant in disease. Therefore, it has been classified as a Variant of Uncertain Significance.